The following is an entry in ClinVar:

ClinVar aggregate classification (germline): Uncertain significance (1 of 4 stars; one submission).

Conditions:
Charcot-Marie-Tooth disease type 2. Also called: Charcot-Marie-Tooth type 2. Identifiers: Orphanet 64746, MedGen C0270914, MONDO:0018993.

Submission:

Labcorp Genetics (formerly Invitae), Labcorp
Classification: Uncertain significance for Charcot-Marie-Tooth disease type 2. Last evaluated: 2025-11-20. Review status: criteria provided, single submitter. Criteria: Invitae Variant Classification Sherloc (09022015). Collection method: clinical testing. Allele origin: germline.
Comment: This sequence change affects a donor splice site in intron 37 of the KIF1B gene. It is expected to disrupt RNA splicing. Variants that disrupt the donor or acceptor splice site typically lead to a loss of protein function (PMID: 16199547), however the current clinical and genetic evidence is not sufficient to establish whether loss-of-function variants in KIF1B cause disease. This variant is not present in population databases (gnomAD no frequency). This variant has not been reported in the literature in individuals affected with KIF1B-related conditions. Algorithms developed to predict the effect of sequence changes on RNA splicing suggest that this variant may disrupt the consensus splice site. In summary, the available evidence is currently insufficient to determine the role of this variant in disease. Therefore, it has been classified as a Variant of Uncertain Significance.

Literature cited by the submitters: PubMed 16199547.

NM_001365951.3(KIF1B):c.4170+1G>C

Gene: KIF1B (kinesin family member 1B; plus strand). Cytogenetic location: 1p36.22.
Variant type: single nucleotide variant.
Coding change: c.4170+1G>C on transcript NM_001365951.3 (MANE Select); the canonical splice donor site of the intron after coding-DNA position 4170, G replaced by C.
Molecular consequence: splice donor variant.
Genome position (GRCh38, 1-based): chr1:10,361,044, G>C. VCF-style: chr1-10361044-G-C. GRCh37 (hg19) VCF-style: chr1-10421102-G-C.
Other names: c.4032+1G>C (NM_015074.3); c.4170+1G>C (NM_001365952.1).
Identifiers: ClinVar variation 4731422 (VCV004731422.1).
Genomic context (GRCh38, chr1:10,361,044, plus strand): 5'-CTGAACCGAGTGACACCCTATGGAGAAAAGATCTACATGACCTTGTCGGCCTACCTAGAG[G>C]TGAGGAGACTTGGAACTTCAGTTGATGCCAACAGTCAGCCCTGAACAGTGTGCAGGTTAC-3'